The following is an entry in ClinVar:

NM_001379210.1(SLC25A26):c.569-19T>C

Gene: SLC25A26 (solute carrier family 25 member 26; plus strand). Cytogenetic location: 3p14.1.
Variant type: single nucleotide variant.
Coding change: c.569-19T>C on transcript NM_001379210.1 (MANE Select); 19 bases into the intron before coding-DNA position 569, T replaced by C.
Molecular consequence: intron variant.
Genome position (GRCh38, 1-based): chr3:66,369,459, T>C. VCF-style: chr3-66369459-T-C. GRCh37 (hg19) VCF-style: chr3-66419883-T-C.
Other names: c.569-19T>C (NM_173471.4); c.305-19T>C (NM_001350993.1, NM_001164796.1).
Identifiers: ClinVar variation 671598 (VCV000671598.11), dbSNP rs2293193, ClinGen allele CA2483786.

ClinVar aggregate classification (germline): Benign. Review status: criteria provided, multiple submitters, no conflicts (2 of 4 stars). 3 submissions from 3 submitters: Benign (3). Last evaluated 2026-02-03.

Allele frequency attached by ClinVar (database versions not stated): ESP Exome Variant Server 0.13486; gnomAD 0.17085 and 0.18658; gnomAD exomes 0.17236 and 0.25155; TOPMed 0.19499; ExAC 0.32048; 1000 Genomes Project 30x 0.33339; 1000 Genomes Project 0.34085.
gnomAD v4.1: 277,879 of 1,589,492 alleles (17%); highest among the groups gnomAD compares: East Asian, 66%; 34,875 homozygotes.

Submissions (3):

Labcorp Genetics (formerly Invitae), Labcorp
Classification: Benign. Last evaluated: 2026-02-03. Review status: criteria provided, single submitter. Criteria: Invitae Variant Classification Sherloc (09022015). Collection method: clinical testing. Allele origin: germline.

GeneDx
Classification: Benign. Last evaluated: 2018-06-14. Review status: criteria provided, single submitter. Criteria: GeneDx Variant Classification (06012015). Collection method: clinical testing. Allele origin: germline. Affected: yes.
Comment: This variant is considered likely benign or benign based on one or more of the following criteria: it is a conservative change, it occurs at a poorly conserved position in the protein, it is predicted to be benign by multiple in silico algorithms, and/or has population frequency not consistent with disease.

Breakthrough Genomics
Classification: Benign. Review status: criteria provided, single submitter. Criteria: ACMG Guidelines, 2015. Collection method: not provided. Allele origin: germline. Inheritance: Autosomal recessive inheritance. Affected: yes.